The following is an entry in ClinVar:

ClinVar aggregate classification (germline): Uncertain significance. Review status: criteria provided, multiple submitters, no conflicts (2 of 4 stars). 2 submissions from 2 submitters: Uncertain significance (2). Last evaluated 2023-01-26.

Conditions:
Bethlem myopathy 1A. Also called: Bethlem myopathy 1; MYOPATHY, BENIGN CONGENITAL, WITH CONTRACTURES; Bethlem Muscular Dystrophy. Identifiers: Orphanet 610, MedGen CN029274, MONDO:0024530, OMIM 158810.

Allele frequency attached by ClinVar (database versions not stated): gnomAD exomes below 0.00001 and 0.00001; TOPMed below 0.00001; ExAC 0.00001; gnomAD 0.00001.

Submissions (2):

Labcorp Genetics (formerly Invitae), Labcorp
Classification: Uncertain significance for Bethlem myopathy 1A. Last evaluated: 2023-01-26. Review status: criteria provided, single submitter. Criteria: Invitae Variant Classification Sherloc (09022015). Collection method: clinical testing. Allele origin: germline.
Comment: This variant is present in population databases (rs775748752, gnomAD 0.006%). This variant has not been reported in the literature in individuals affected with COL6A2-related conditions. ClinVar contains an entry for this variant (Variation ID: 594527). Advanced modeling of protein sequence and biophysical properties (such as structural, functional, and spatial information, amino acid conservation, physicochemical variation, residue mobility, and thermodynamic stability) performed at Invitae indicates that this missense variant is expected to disrupt COL6A2 protein function. In summary, the available evidence is currently insufficient to determine the role of this variant in disease. Therefore, it has been classified as a Variant of Uncertain Significance. This sequence change replaces proline, which is neutral and non-polar, with leucine, which is neutral and non-polar, at codon 814 of the COL6A2 protein (p.Pro814Leu).

Eurofins Ntd Llc (ga)
Classification: Uncertain significance. Last evaluated: 2017-10-16. Review status: criteria provided, single submitter. Criteria: EGL Classification Definitions 2015. Collection method: clinical testing. Allele origin: germline. Observed: 1 variant allele, 1 heterozygote.

NM_001849.4(COL6A2):c.2441C>T (p.Pro814Leu)

Gene: COL6A2 (collagen type VI alpha 2 chain; plus strand). Cytogenetic location: 21q22.3.
Variant type: single nucleotide variant.
Coding change: c.2441C>T on transcript NM_001849.4 (MANE Select); coding-DNA position 2441, C replaced by T.
Protein change: p.Pro814Leu; replaces proline 814 with leucine.
Molecular consequence: missense variant.
Genome position (GRCh38, 1-based): chr21:46,126,521, C>T. VCF-style: chr21-46126521-C-T. GRCh37 (hg19) VCF-style: chr21-47546435-C-T.
Other names: c.2441C>T, p.Pro814Leu (NM_058174.3, NM_058175.3); short protein forms P814L.
Identifiers: ClinVar variation 594527 (VCV000594527.10), dbSNP rs775748752, ClinGen allele CA10072623.
Genomic context (GRCh38, chr21:46,126,521, plus strand): 5'-GGACTGACCCTGGCCTGGCCCGGCCTCTCTCCTCTCTTCCAGACCCTCAGATCGTGTGCC[C>T]AGACCTTCCCTGCCAAACAGGTAATGCAGGGCACCCTGAGCCACCACCCCAGACTAGCAA-3'
Protein context (NP_001840.3, residues 804-824): VLCPDPQIVC[Pro814Leu]DLPCQTELSV